The following is an entry in ClinVar:

ClinVar aggregate classification (germline): Uncertain significance. Review status: criteria provided, multiple submitters, no conflicts (2 of 4 stars). 3 submissions from 3 submitters: Uncertain significance (3). Last evaluated 2024-01-02.

Conditions:
Developmental and epileptic encephalopathy, 1 (DEE1). Also called: X-linked infantile spasms; West's syndrome; Tonic spasms with clustering, arrest of psychomotor development and hypsarrhythmia on EEG; X-Linked Infantile Spasm Syndrome; Epileptic encephalopathy, early infantile, 1; INFANTILE SPASM SYNDROME, X-LINKED 1. Identifiers: MedGen C3463992, MONDO:0010632, OMIM 308350. Disease mechanism: loss of function.
Intellectual disability, X-linked, with or without seizures, ARX-related. Also called: Mental retardation, X-linked 52; MENTAL RETARDATION, X-LINKED 29; MENTAL RETARDATION, X-LINKED 32; MENTAL RETARDATION, X-LINKED 33; MENTAL RETARDATION, X-LINKED 38; MENTAL RETARDATION, X-LINKED 43. Identifiers: Orphanet 777, MedGen C0796244, MONDO:0010317, OMIM 300419.

Allele frequency attached by ClinVar (database versions not stated): ExAC 0.00020.
gnomAD v4.1: 7 of 1,174,004 alleles (0.0006%); highest among the groups gnomAD compares: Non-Finnish European, 0.0008%; no homozygotes.

Submissions (3):

Labcorp Genetics (formerly Invitae), Labcorp
Classification: Uncertain significance for Developmental and epileptic encephalopathy, 1; Intellectual disability, X-linked, with or without seizures, ARX-related. Last evaluated: 2024-01-02. Review status: criteria provided, single submitter. Criteria: Invitae Variant Classification Sherloc (09022015). Collection method: clinical testing. Allele origin: germline.
Comment: This sequence change replaces alanine, which is neutral and non-polar, with serine, which is neutral and polar, at codon 516 of the ARX protein (p.Ala516Ser). The frequency data for this variant in the population databases is considered unreliable, as metrics indicate poor data quality at this position in the gnomAD database. This variant has not been reported in the literature in individuals affected with ARX-related conditions. ClinVar contains an entry for this variant (Variation ID: 976121). Advanced modeling of protein sequence and biophysical properties (such as structural, functional, and spatial information, amino acid conservation, physicochemical variation, residue mobility, and thermodynamic stability) has been performed at Invitae for this missense variant, however the output from this modeling did not meet the statistical confidence thresholds required to predict the impact of this variant on ARX protein function. In summary, the available evidence is currently insufficient to determine the role of this variant in disease. Therefore, it has been classified as a Variant of Uncertain Significance.

Institute for Clinical Genetics, University Hospital TU Dresden, University Hospital TU Dresden
Classification: Uncertain significance. Last evaluated: 2023-07-25. Review status: criteria provided, single submitter. Criteria: ACMG Guidelines, 2015. Collection method: clinical testing. Allele origin: maternal.
Comment: PM2_SUP

Institute of Human Genetics, University of Leipzig Medical Center
Classification: Uncertain significance for Developmental and epileptic encephalopathy, 1. Last evaluated: 2017-08-30. Review status: criteria provided, single submitter. Criteria: ACMG Guidelines, 2015. Collection method: clinical testing. Allele origin: germline. Affected: yes. Observed: 1 variant allele.

NM_139058.3(ARX):c.1546G>T (p.Ala516Ser)

Gene: ARX (aristaless related homeobox; minus strand). Cytogenetic location: Xp21.3.
Variant type: single nucleotide variant.
Coding change: c.1546G>T on transcript NM_139058.3 (MANE Select); coding-DNA position 1546, G replaced by T.
Protein change: p.Ala516Ser; replaces alanine 516 with serine.
Molecular consequence: missense variant.
Genome position (GRCh38, 1-based): chrX:25,004,813, C>A on the plus strand (G>T on the coding strand, the complement: ARX is on the minus strand). VCF-style: chrX-25004813-C-A. GRCh37 (hg19) VCF-style: chrX-25022930-C-A.
Other names: short protein forms A516S.
Identifiers: ClinVar variation 976121 (VCV000976121.5), dbSNP rs747042039, ClinGen allele CA10373770.